The following is an entry in ClinVar:

NM_007294.4(BRCA1):c.2882del (p.Asn961fs)

Gene: BRCA1 (BRCA1 DNA repair associated; minus strand). Cytogenetic location: 17q21.31.
Variant type: Deletion.
Coding change: c.2882del on transcript NM_007294.4 (MANE Select); coding-DNA position 2882, one base deleted (A; older notation c.2882delA).
Protein change: p.Asn961fs; shifts the reading frame from asparagine 961.
Molecular consequence: frameshift variant. On other transcripts: intron variant (137).
Genome position (GRCh38, 1-based): chr17:43,092,649, T deleted on the plus strand (A on the coding strand, the reverse complement: BRCA1 is on the minus strand); the first of 2 consecutive T bases (chr17:43,092,649-43,092,650); deleting either gives the same sequence. VCF-style (leftmost placement, unchanged base first): chr17-43092648-GT-G. GRCh37 (hg19) VCF-style: chr17-41244665-GT-G.
Other names: 3001delA; c.2882delA (NM_007294.3); c.2738del, p.Asn913fs (NM_001407741.1, NM_001407742.1, NM_001407743.1 and 20 more transcripts); c.2741del, p.Asn914fs (NM_001407750.1, NM_001407751.1, NM_001407752.1 and 29 more transcripts); c.2669del, p.Asn890fs (NM_001407853.1, NM_001407894.1, NM_001407895.1 and 9 more transcripts); c.2882del, p.Asn961fs (NM_001407854.1, NM_001407858.1, NM_001407859.1 and 30 more transcripts); c.2879del, p.Asn960fs (NM_001407860.1, NM_001407861.1, NM_001407587.1 and 22 more transcripts); c.2681del, p.Asn894fs (NM_001407862.1); and 43 more; short protein forms N914fs, N961fs, N834fs, N894fs, N919fs, N665fs, N793fs, N850fs.
Identifiers: ClinVar variation 266315 (VCV000266315.10), dbSNP rs886040082, ClinGen allele CA10589801.
Genomic context (GRCh38, chr17:43,092,648, plus strand): 5'-TGGTATACGATATGGGTTTTGTAAAAGTCCATGTTTATTTGGAGTAATGAGTCCAGTTTC[GT>G]TGCCTCTGAACTGAGATGATAGACAAAACCTAGAGCCTCCTTTGATACTACATTTGGCAT-3'

ClinVar aggregate classification (germline): Pathogenic. Review status: reviewed by expert panel (3 of 4 stars). 4 submissions from 4 submitters: Pathogenic (1). 3 of the submissions do not count toward it. Last evaluated 2016-10-18.

Conditions:
Hereditary breast ovarian cancer syndrome. Also called: Hereditary breast and ovarian cancer syndrome (HBOC); Breast and ovarian cancer; Hereditary breast and ovarian cancer syndrome; Hereditary breast and ovarian cancer; BRCA1- and BRCA2-Associated Hereditary Breast and Ovarian Cancer; Hereditary breast and/or ovarian cancer syndrome. Identifiers: Orphanet 145, MedGen C0677776, MeSH D061325, MONDO:0003582. Disease mechanism: loss of function.
Breast-ovarian cancer, familial, susceptibility to, 1 (BROVCA1). Also called: BRCA1 Hereditary Breast and Ovarian Cancer; OVARIAN CANCER, SUSCEPTIBILITY TO. Identifiers: Orphanet 145, MedGen C2676676, MONDO:0011450, OMIM 604370. Disease mechanism: loss of function.

Submissions (4):

Evidence-based Network for the Interpretation of Germline Mutant Alleles (ENIGMA)
Classification: Pathogenic for Breast-ovarian cancer, familial, susceptibility to, 1. Last evaluated: 2016-10-18. Review status: reviewed by expert panel. Criteria: ENIGMA BRCA1/2 Classification Criteria (2015). Collection method: curation. Allele origin: germline.
Comment: Variant allele predicted to encode a truncated non-functional protein.

Laboratory for Molecular Medicine, Mass General Brigham Personalized Medicine
Classification: Pathogenic for Hereditary breast ovarian cancer syndrome. Last evaluated: 2017-05-24. Review status: criteria provided, single submitter. Criteria: LMM Criteria. Collection method: clinical testing. Allele origin: germline. Inheritance: Autosomal dominant inheritance. Observed: 2 variant alleles. Not counted in ClinVar's aggregate classification.
Comment: The p.Asn961fs variant in BRCA1 has not been previously reported in the literatu re and was absent from large population studies. This variant has been classifie d as Pathogenic on October 18, 2016 by the ClinGen-approved ENIGMA expert panel (ClinVar SCV000323533.1). This variant is predicted to cause a frameshift, which alters the protein?s amino acid sequence beginning at position 961 and leads to a premature termination codon 39 amino acids downstream. This alteration is the n predicted to lead to a truncated or absent protein. Heterozygous loss of funct ion of the BRCA1 gene is an established disease mechanism in hereditary breast a nd ovarian cancer (HBOC). In summary, this variant meets criteria to be classifi ed as pathogenic for HBOC in an autosomal dominant manner based on absence from controls and its predicted impact on the protein.

Consortium of Investigators of Modifiers of BRCA1/2 (CIMBA), c/o University of Cambridge
Classification: Pathogenic for Breast-ovarian cancer, familial, susceptibility to, 1. Last evaluated: 2015-10-02. Review status: criteria provided, single submitter. Criteria: CIMBA Mutation Classification guidelines May 2016. Collection method: clinical testing. Allele origin: germline. Not counted in ClinVar's aggregate classification.

BRCAlab, Lund University
Classification: Pathogenic for Breast-ovarian cancer, familial, susceptibility to, 1. Last evaluated: 2020-03-02. Review status: no assertion criteria provided. Collection method: clinical testing. Allele origin: germline. Affected: yes. Not counted in ClinVar's aggregate classification.